The following is an entry in ClinVar:

ClinVar aggregate classification (germline): Uncertain significance. Review status: criteria provided, multiple submitters, no conflicts (2 of 4 stars). 2 submissions from 2 submitters: Uncertain significance (2). Last evaluated 2024-06-27.

Submissions (2):

GeneDx
Classification: Uncertain significance. Last evaluated: 2024-06-27. Review status: criteria provided, single submitter. Criteria: GeneDx Variant Classification Process June 2021. Collection method: clinical testing. Allele origin: germline. Affected: yes.
Comment: Not observed at significant frequency in large population cohorts (gnomAD); In silico analysis supports that this missense variant has a deleterious effect on protein structure/function; Has not been previously published as pathogenic or benign to our knowledge

Blueprint Genetics
Classification: Uncertain significance. Last evaluated: 2023-01-17. Review status: criteria provided, single submitter. Criteria: ACMG Guidelines, 2015. Collection method: clinical testing. Allele origin: germline.

NM_012330.4(KAT6B):c.820G>C (p.Ala274Pro)

Gene: KAT6B (lysine acetyltransferase 6B; plus strand). Cytogenetic location: 10q22.2.
Variant type: single nucleotide variant.
Coding change: c.820G>C on transcript NM_012330.4 (MANE Select); coding-DNA position 820, G replaced by C.
Protein change: p.Ala274Pro; replaces alanine 274 with proline.
Molecular consequence: missense variant. On other transcripts: intron variant (2).
Genome position (GRCh38, 1-based): chr10:74,969,749, G>C. VCF-style: chr10-74969749-G-C. GRCh37 (hg19) VCF-style: chr10-76729507-G-C.
Other names: c.820G>C, p.Ala274Pro (NM_001256468.2, NM_001256469.2, NM_001370132.1 and 10 more transcripts); c.193-9475G>C (NM_001370134.1); c.192+9671G>C (NM_001370135.1); short protein forms A274P.
Identifiers: ClinVar variation 3392945 (VCV003392945.2).
Genomic context (GRCh38, chr10:74,969,749, plus strand): 5'-GAATTAACAACAAATGTAAAGGCCTTAAGGTGGCAGTGCATCGAATGCAAGACATGCAGT[G>C]CCTGTAGAGTCCAAGGCAGAAATGCTGTAAGTATGGCTCCCGTAATCCGCCTCCAGGTAA-3'
Protein context (NP_036462.2, residues 264-284): WQCIECKTCS[Ala274Pro]CRVQGRNADN